The following is an entry in ClinVar:

ClinVar aggregate classification (germline): Uncertain significance. Review status: criteria provided, multiple submitters, no conflicts (2 of 4 stars). 2 submissions from 2 submitters: Uncertain significance (2). Last evaluated 2025-12-03.

Conditions:
Breast-ovarian cancer, familial, susceptibility to, 4. Identifiers: Orphanet 145, MedGen C3280345, MONDO:0013669, OMIM 614291.
Hereditary cancer-predisposing syndrome. Also called: Hereditary Cancer Syndrome; Neoplastic Syndromes, Hereditary; Tumor predisposition; Hereditary neoplastic syndrome. Identifiers: Orphanet 140162, MedGen C0027672, MeSH D009386, MONDO:0015356.

Allele frequency attached by ClinVar (database versions not stated): TOPMed below 0.00001.

Submissions (2):

Labcorp Genetics (formerly Invitae), Labcorp
Classification: Uncertain significance for Breast-ovarian cancer, familial, susceptibility to, 4. Last evaluated: 2025-12-03. Review status: criteria provided, single submitter. Criteria: Invitae Variant Classification Sherloc (09022015). Collection method: clinical testing. Allele origin: germline.
Comment: This sequence change replaces glycine, which is neutral and non-polar, with serine, which is neutral and polar, at codon 85 of the RAD51D protein (p.Gly85Ser). This variant is not present in population databases (gnomAD no frequency). This variant has not been reported in the literature in individuals affected with RAD51D-related conditions. ClinVar contains an entry for this variant (Variation ID: 480537). Invitae Evidence Modeling of protein sequence and biophysical properties (such as structural, functional, and spatial information, amino acid conservation, physicochemical variation, residue mobility, and thermodynamic stability) indicates that this missense variant is not expected to disrupt RAD51D protein function with a negative predictive value of 80%. In summary, the available evidence is currently insufficient to determine the role of this variant in disease. Therefore, it has been classified as a Variant of Uncertain Significance.

Ambry Genetics
Classification: Uncertain significance for Hereditary cancer-predisposing syndrome. Last evaluated: 2024-06-04. Review status: criteria provided, single submitter. Criteria: Ambry Variant Classification Scheme 2023. Collection method: clinical testing. Allele origin: germline.
Comment: The p.G85S variant (also known as c.253G>A), located in coding exon 3 of the RAD51D gene, results from a G to A substitution at nucleotide position 253. The glycine at codon 85 is replaced by serine, an amino acid with similar properties. This amino acid position is highly conserved in available vertebrate species. In addition, this alteration is predicted to be deleterious by in silico analysis. Since supporting evidence is limited at this time, the clinical significance of this alteration remains unclear.

NM_002878.4(RAD51D):c.253G>A (p.Gly85Ser)

Genes: RAD51D (RAD51 paralog D; minus strand), RAD51L3-RFFL (RAD51L3-RFFL readthrough; minus strand). Cytogenetic location: 17q12.
Variant type: single nucleotide variant.
Coding change: c.253G>A on transcript NM_002878.4 (MANE Select); coding-DNA position 253, G replaced by A.
Protein change: p.Gly85Ser; replaces glycine 85 with serine.
Molecular consequence: missense variant. On other transcripts: intron variant (2).
Genome position (GRCh38, 1-based): chr17:35,118,511, C>T on the plus strand (G>A on the coding strand, the complement: RAD51D is on the minus strand). VCF-style: chr17-35118511-C-T. GRCh37 (hg19) VCF-style: chr17-33445530-C-T.
Other names: c.144+600G>A (NM_133629.3, NM_001142571.2); short protein forms G85S.
Identifiers: ClinVar variation 480537 (VCV000480537.14), dbSNP rs1555570250, ClinGen allele CA399091194.